The following is an entry in ClinVar:

NM_001356.5(DDX3X):c.1025+26_1025+33del

Gene: DDX3X (DEAD-box helicase 3 X-linked; plus strand). Cytogenetic location: Xp11.4.
Variant type: Microsatellite.
Coding change: c.1025+26_1025+33del on transcript NM_001356.5 (MANE Select); bases 26 to 33 of the intron after coding-DNA position 1025, 8 bases deleted (TTTGTTTT; older notation c.1025+26_1025+33delTTTGTTTT).
Molecular consequence: intron variant.
Genome position (GRCh38, 1-based): chrX:41,344,425-41,344,432, TTTGTTTT deleted; deleting any 8 consecutive bases within chrX:41,344,415-41,344,432 gives the same sequence; the c. name uses the placement nearest the transcript's 3' end. VCF-style (leftmost placement, unchanged base first): chrX-41344414-GTTTTTGTT-G. GRCh37 (hg19) VCF-style: chrX-41203667-GTTTTTGTT-G.
Other names: c.1025+26_1025+33del (NM_001193416.3); c.977+26_977+33del (NM_001193417.3); c.467+26_467+33del (NM_001363819.1).
Identifiers: ClinVar variation 1900846 (VCV001900846.16), dbSNP rs767603418, ClinGen allele CA10389525.

ClinVar aggregate classification (germline): Likely benign. Review status: criteria provided, multiple submitters, no conflicts (2 of 4 stars). 3 submissions from 3 submitters: Likely benign (3). Last evaluated 2025-12-26.

Submissions (3):

Labcorp Genetics (formerly Invitae), Labcorp
Classification: Likely benign. Last evaluated: 2025-12-26. Review status: criteria provided, single submitter. Criteria: Invitae Variant Classification Sherloc (09022015). Collection method: clinical testing. Allele origin: germline.

CeGaT Center for Human Genetics Tuebingen
Classification: Likely benign. Last evaluated: 2025-08-01. Review status: criteria provided, single submitter. Criteria: CeGaT Center For Human Genetics Tuebingen Variant Classification Criteria Version 2. Collection method: clinical testing. Allele origin: germline. Affected: yes. Observed: 1 variant allele.
Comment: DDX3X: BS2

Blueprint Genetics
Classification: Likely benign. Last evaluated: 2024-03-20. Review status: criteria provided, single submitter. Criteria: ACMG Guidelines, 2015. Collection method: clinical testing. Allele origin: germline.